The following is an entry in ClinVar:

ClinVar aggregate classification (germline): Uncertain significance. Review status: criteria provided, multiple submitters, no conflicts (2 of 4 stars). 2 submissions from 2 submitters: Uncertain significance (2). Last evaluated 2025-12-08.

Conditions:
Cardiomyopathy (CMYO). Also called: Cardiomyopathies. Identifiers: Orphanet 167848, MedGen C0878544, MONDO:0004994, HP:0001638. Inheritance: Various modes of inheritance.
Catecholaminergic polymorphic ventricular tachycardia 1. Also called: RYR2-Related Catecholaminergic Polymorphic Ventricular Tachycardia; VENTRICULAR TACHYCARDIA, STRESS-INDUCED POLYMORPHIC 1; VENTRICULAR TACHYCARDIA, CATECHOLAMINERGIC POLYMORPHIC, 1, WITH OR WITHOUT ATRIAL DYSFUNCTION AND/OR DILATED CARDIOMYOPATHY. Identifiers: Orphanet 3286, MedGen C1631597, MONDO:0011484, OMIM 604772.

gnomAD v4.1: 9 of 1,613,768 alleles (0.00056%); highest among the groups gnomAD compares: Non-Finnish European, 0.00076%; no homozygotes.

Submissions (2):

Color Diagnostics, LLC DBA Color Health
Classification: Uncertain significance for Cardiomyopathy. Last evaluated: 2025-12-08. Review status: criteria provided, single submitter. Criteria: ACMG Guidelines, 2015. Collection method: clinical testing. Allele origin: germline.
Comment: This missense variant replaces serine with arginine at codon 1252 of the RYR2 protein. Computational prediction suggests that this variant may have deleterious impact on protein structure and function. To our knowledge, functional studies have not been reported for this variant. This variant has not been reported in individuals affected with RYR2-related disorders in the literature. This variant has been identified in 2/249014 chromosomes in the general population by the Genome Aggregation Database (gnomAD). The available evidence is insufficient to determine the role of this variant in disease conclusively. Therefore, this variant is classified as a Variant of Uncertain Significance.

Labcorp Genetics (formerly Invitae), Labcorp
Classification: Uncertain significance for Catecholaminergic polymorphic ventricular tachycardia 1. Last evaluated: 2025-11-12. Review status: criteria provided, single submitter. Criteria: Invitae Variant Classification Sherloc (09022015). Collection method: clinical testing. Allele origin: germline.
Comment: This sequence change replaces serine, which is neutral and polar, with arginine, which is basic and polar, at codon 1252 of the RYR2 protein (p.Ser1252Arg). This variant is present in population databases (rs781152562, gnomAD 0.002%). This variant has not been reported in the literature in individuals affected with RYR2-related conditions. Invitae Evidence Modeling of protein sequence and biophysical properties (such as structural, functional, and spatial information, amino acid conservation, physicochemical variation, residue mobility, and thermodynamic stability) has been performed for this missense variant. However, the output from this modeling did not meet the statistical confidence thresholds required to predict the impact of this variant on RYR2 protein function. In summary, the available evidence is currently insufficient to determine the role of this variant in disease. Therefore, it has been classified as a Variant of Uncertain Significance.

NM_001035.3(RYR2):c.3756C>G (p.Ser1252Arg)

Gene: RYR2 (ryanodine receptor 2; plus strand). Cytogenetic location: 1q43.
Variant type: single nucleotide variant.
Coding change: c.3756C>G on transcript NM_001035.3 (MANE Select); coding-DNA position 3756, C replaced by G.
Protein change: p.Ser1252Arg; replaces serine 1252 with arginine.
Molecular consequence: missense variant.
Genome position (GRCh38, 1-based): chr1:237,589,950, C>G. VCF-style: chr1-237589950-C-G. GRCh37 (hg19) VCF-style: chr1-237753250-C-G.
Other names: short protein forms S1252R.
Identifiers: ClinVar variation 4758526 (VCV004758526.2).